The following is an entry in ClinVar:

NM_003072.5(SMARCA4):c.591C>A (p.Pro197=)

Gene: SMARCA4 (SWI/SNF related BAF chromatin remodeling complex subunit ATPase 4; plus strand). Cytogenetic location: 19p13.2.
Variant type: single nucleotide variant.
Coding change: c.591C>A on transcript NM_003072.5 (MANE Select); coding-DNA position 591, C replaced by A.
Protein change: p.Pro197=; no amino-acid change (proline 197 retained).
Molecular consequence: synonymous variant. On other transcripts: non-coding transcript variant (1).
Genome position (GRCh38, 1-based): chr19:10,986,424, C>A. VCF-style: chr19-10986424-C-A. GRCh37 (hg19) VCF-style: chr19-11097100-C-A.
Other names: c.591C>A, p.Pro197= (NM_001128846.2, NM_001128847.4, NM_001128848.2 and 5 more transcripts).
Identifiers: ClinVar variation 415073 (VCV000415073.18), dbSNP rs572753619, ClinGen allele CA16615882.

ClinVar aggregate classification (germline): Benign/Likely benign. Review status: criteria provided, multiple submitters, no conflicts (2 of 4 stars). 4 submissions from 4 submitters: Benign (1); Likely benign (3). Last evaluated 2026-07-09.

Conditions:
Hereditary cancer-predisposing syndrome. Also called: Hereditary Cancer Syndrome; Hereditary neoplastic syndrome; Neoplastic Syndromes, Hereditary; Tumor predisposition. Identifiers: Orphanet 140162, MedGen C0027672, MeSH D009386, MONDO:0015356.
Rhabdoid tumor predisposition syndrome 2 (RTPS2). Identifiers: Orphanet 231108, Orphanet 69077, MedGen C2750074, MONDO:0013224, OMIM 613325.

Allele frequency attached by ClinVar (database versions not stated): gnomAD 0.00003; TOPMed 0.00002.
gnomAD v4.1: 9 of 1,575,496 alleles (0.00057%); highest among the groups gnomAD compares: Non-Finnish European, 0.00078%; no homozygotes.

Submissions (4):

Myriad Genetics, Inc.
Classification: Benign for Rhabdoid tumor predisposition syndrome 2. Last evaluated: 2026-07-09. Review status: criteria provided, single submitter. Criteria: Myriad Autosomal Dominant, Autosomal Recessive and X-Linked Classification Criteria (2023). Collection method: clinical testing. Allele origin: unknown.
Comment: This variant is considered benign. This variant is a silent/synonymous amino acid change and it is not expected to impact splicing.

Labcorp Genetics (formerly Invitae), Labcorp
Classification: Likely benign for Rhabdoid tumor predisposition syndrome 2. Last evaluated: 2025-12-16. Review status: criteria provided, single submitter. Criteria: Invitae Variant Classification Sherloc (09022015). Collection method: clinical testing. Allele origin: germline.

GeneDx
Classification: Likely benign. Last evaluated: 2018-06-14. Review status: criteria provided, single submitter. Criteria: GeneDx Variant Classification (06012015). Collection method: clinical testing. Allele origin: germline. Affected: yes.
Comment: This variant is considered likely benign or benign based on one or more of the following criteria: it is a conservative change, it occurs at a poorly conserved position in the protein, it is predicted to be benign by multiple in silico algorithms, and/or has population frequency not consistent with disease.

Ambry Genetics
Classification: Likely benign for Hereditary cancer-predisposing syndrome. Last evaluated: 2015-12-18. Review status: criteria provided, single submitter. Criteria: Ambry Variant Classification Scheme 2023. Collection method: clinical testing. Allele origin: germline.